The following is an entry in ClinVar:

ClinVar aggregate classification (germline): Likely benign. Review status: criteria provided, multiple submitters, no conflicts (2 of 4 stars). 2 submissions from 2 submitters: Likely benign (2). Last evaluated 2024-11-01.

gnomAD v4.1: 52 of 1,614,012 alleles (0.0032%); highest among the groups gnomAD compares: Non-Finnish European, 0.0044%; no homozygotes.

Submissions (2):

CeGaT Center for Human Genetics Tuebingen
Classification: Likely benign. Last evaluated: 2024-11-01. Review status: criteria provided, single submitter. Criteria: CeGaT Center For Human Genetics Tuebingen Variant Classification Criteria Version 2. Collection method: clinical testing. Allele origin: germline. Affected: yes. Observed: 1 variant allele.
Comment: KATNIP: BP4, BP7

Blueprint Genetics
Classification: Likely benign. Last evaluated: 2023-02-22. Review status: criteria provided, single submitter. Criteria: ACMG Guidelines, 2015. Collection method: clinical testing. Allele origin: germline.

NM_015202.5(KATNIP):c.2070C>T (p.Asp690=)

Gene: KATNIP (katanin interacting protein; plus strand). Cytogenetic location: 16p12.1.
Variant type: single nucleotide variant.
Coding change: c.2070C>T on transcript NM_015202.5 (MANE Select); coding-DNA position 2070, C replaced by T.
Protein change: p.Asp690=; no amino-acid change (aspartic acid 690 retained).
Molecular consequence: synonymous variant.
Genome position (GRCh38, 1-based): chr16:27,740,367, C>T. VCF-style: chr16-27740367-C-T. GRCh37 (hg19) VCF-style: chr16-27751688-C-T.
Identifiers: ClinVar variation 3389060 (VCV003389060.15).